The following is an entry in ClinVar:

ClinVar aggregate classification (germline): Uncertain significance (1 of 4 stars; one submission).

Submission:

GeneDx
Classification: Uncertain significance. Last evaluated: 2024-08-09. Review status: criteria provided, single submitter. Criteria: GeneDx Variant Classification Process June 2021. Collection method: clinical testing. Allele origin: germline. Affected: yes.
Comment: Not observed at significant frequency in large population cohorts (gnomAD); In silico analysis supports that this missense variant has a deleterious effect on protein structure/function; Has not been previously published as pathogenic or benign to our knowledge

NM_001379110.1(SLC9A6):c.1714C>A (p.Pro572Thr)

Gene: SLC9A6 (solute carrier family 9 member A6; plus strand). Cytogenetic location: Xq26.3.
Variant type: single nucleotide variant.
Coding change: c.1714C>A on transcript NM_001379110.1 (MANE Select); coding-DNA position 1714, C replaced by A.
Protein change: p.Pro572Thr; replaces proline 572 with threonine.
Molecular consequence: missense variant.
Genome position (GRCh38, 1-based): chrX:136,040,128, C>A. VCF-style: chrX-136040128-C-A. GRCh37 (hg19) VCF-style: chrX-135122287-C-A.
Other names: c.1780C>A, p.Pro594Thr (NM_001042537.2); c.1624C>A, p.Pro542Thr (NM_001177651.2, NM_001400909.1, NM_001400910.1 and 2 more transcripts); c.1528C>A, p.Pro510Thr (NM_001330652.2, NM_001400913.1); c.1684C>A, p.Pro562Thr (NM_006359.3); short protein forms P510T, P542T, P562T, P572T, P594T.
Identifiers: ClinVar variation 3602970 (VCV003602970.1).
Genomic context (GRCh38, chrX:136,040,128, plus strand): 5'-CACCGCAGCTATCTGAAGCCTCTGCTGACCCACAGCGGGCCTCCGCTGACAACAACACTC[C>A]CTGCCTGCTGTGGACCCATCGCCAGGTGCCTCACCAGCCCCCAGGCTTACGAAGTAAGTT-3'
Protein context (NP_001366039.1, residues 562-582): HSGPPLTTTL[Pro572Thr]ACCGPIARCL